The following is an entry in ClinVar:

ClinVar aggregate classification (germline): Pathogenic (1 of 4 stars; one submission).

Conditions:
VPS13A-related neurodegenerative disease. Also called: ACANTHOCYTOSIS WITH NEUROLOGIC DISORDER; LEVINE-CRITCHLEY SYNDROME; Choreoacanthocytosis; Chorea-acanthocytosis; Choreaacanthocytosis; VPS13A Disease. Identifiers: Orphanet 2388, MedGen C0393576, MONDO:0008695, OMIM 200150.

Submission:

Myriad Genetics, Inc.
Classification: Pathogenic for VPS13A-related neurodegenerative disease. Last evaluated: 2024-02-03. Review status: criteria provided, single submitter. Criteria: Myriad Autosomal Dominant, Autosomal Recessive and X-Linked Classification Criteria (2023). Collection method: clinical testing. Allele origin: unknown.
Comment: NM_033305.2(VPS13A):c.3116T>G(L1039*) is expected to be pathogenic in the context of VPS13A disease. This variant is predicted to lead to an abnormal or absent protein product due to the creation of a premature termination codon in VPS13A, a gene where loss-of-function variants are known to be pathogenic. Please note: this variant was assessed in the context of healthy population screening.

NM_033305.3(VPS13A):c.3116T>G (p.Leu1039Ter)

Gene: VPS13A (vacuolar protein sorting 13 homolog A; plus strand). Cytogenetic location: 9q21.2.
Variant type: single nucleotide variant.
Coding change: c.3116T>G on transcript NM_033305.3 (MANE Select); coding-DNA position 3116, T replaced by G.
Protein change: p.Leu1039Ter; replaces leucine 1039 with a stop codon.
Molecular consequence: nonsense.
Genome position (GRCh38, 1-based): chr9:77,282,272, T>G. VCF-style: chr9-77282272-T-G. GRCh37 (hg19) VCF-style: chr9-79897188-T-G.
Other names: c.3116T>G, p.Leu1039Ter (NM_001018037.2, NM_001018038.3, NM_015186.4); short protein forms L1039*.
Identifiers: ClinVar variation 5012709 (VCV005012709.1).